The following is an entry in ClinVar:

ClinVar aggregate classification (germline): Conflicting classifications of pathogenicity. Review status: criteria provided, conflicting classifications (1 of 4 stars). 3 submissions from 3 submitters: Uncertain significance (2); Likely benign (1). Last evaluated 2025-07-31.

Conditions:
Hereditary cancer-predisposing syndrome. Also called: Tumor predisposition; Hereditary neoplastic syndrome; Hereditary Cancer Syndrome; Neoplastic Syndromes, Hereditary. Identifiers: Orphanet 140162, MedGen C0027672, MeSH D009386, MONDO:0015356.
Gastrointestinal stromal tumor. Also called: Gastrointestinal stroma tumor; Gastrointestinal stromal tumor, somatic. Identifiers: Orphanet 44890, MedGen C0238198, MeSH D046152, MONDO:0011719, OMIM 606764, HP:0100723.
Polyps, multiple and recurrent inflammatory fibroid, gastrointestinal. Identifiers: MedGen C5193005, MONDO:0008285, OMIM 175510.

Allele frequency attached by ClinVar (database versions not stated): TOPMed below 0.00001; gnomAD 0.00001; gnomAD exomes 0.00001; ExAC 0.00002.
gnomAD v4.1: 20 of 1,613,790 alleles (0.0012%); highest among the groups gnomAD compares: South Asian, 0.0022%; no homozygotes.

Submissions (3):

Labcorp Genetics (formerly Invitae), Labcorp
Classification: Uncertain significance for Gastrointestinal stromal tumor. Last evaluated: 2025-07-31. Review status: criteria provided, single submitter. Criteria: Invitae Variant Classification Sherloc (09022015). Collection method: clinical testing. Allele origin: germline.
Comment: This sequence change replaces aspartic acid, which is acidic and polar, with asparagine, which is neutral and polar, at codon 1075 of the PDGFRA protein (p.Asp1075Asn). Information on the frequency of this variant in the gnomAD database is not available, as this variant may be reported differently in the database. This variant has not been reported in the literature in individuals affected with PDGFRA-related conditions. ClinVar contains an entry for this variant (Variation ID: 2709165). Experimental studies and prediction algorithms are not available or were not evaluated, and the functional significance of this variant is currently unknown. In summary, the available evidence is currently insufficient to determine the role of this variant in disease. Therefore, it has been classified as a Variant of Uncertain Significance.

Baylor Genetics
Classification: Uncertain significance for Polyps, multiple and recurrent inflammatory fibroid, gastrointestinal. Last evaluated: 2023-08-09. Review status: criteria provided, single submitter. Criteria: ACMG Guidelines, 2015. Collection method: clinical testing. Allele origin: unknown.

Ambry Genetics
Classification: Likely benign for Hereditary cancer-predisposing syndrome. Last evaluated: 2021-06-30. Review status: criteria provided, single submitter. Criteria: Ambry Variant Classification Scheme 2023. Collection method: clinical testing. Allele origin: germline.

NM_006206.6(PDGFRA):c.3223G>A (p.Asp1075Asn)

Gene: PDGFRA (platelet derived growth factor receptor alpha; plus strand). Cytogenetic location: 4q12.
Variant type: single nucleotide variant.
Coding change: c.3223G>A on transcript NM_006206.6 (MANE Select); coding-DNA position 3223, G replaced by A.
Protein change: p.Asp1075Asn; replaces aspartic acid 1075 with asparagine.
Molecular consequence: missense variant.
Genome position (GRCh38, 1-based): chr4:54,295,225, G>A. VCF-style: chr4-54295225-G-A. GRCh37 (hg19) VCF-style: chr4-55161392-G-A.
Other names: c.3298G>A, p.Asp1100Asn (NM_001347828.2); c.3223G>A, p.Asp1075Asn (NM_001347829.2); c.3262G>A, p.Asp1088Asn (NM_001347830.2); short protein forms D1075N, D1100N, D1088N.
Identifiers: ClinVar variation 528564 (VCV000528564.9), dbSNP rs767697835, ClinGen allele CA2923065.